The following is an entry in ClinVar:

NM_005592.4(MUSK):c.667G>A (p.Val223Ile)

Gene: MUSK (muscle associated receptor tyrosine kinase; plus strand). Cytogenetic location: 9q31.3.
Variant type: single nucleotide variant.
Coding change: c.667G>A on transcript NM_005592.4 (MANE Select); coding-DNA position 667, G replaced by A.
Protein change: p.Val223Ile; replaces valine 223 with isoleucine.
Molecular consequence: missense variant. On other transcripts: 5 prime UTR variant (1).
Genome position (GRCh38, 1-based): chr9:110,734,289, G>A. VCF-style: chr9-110734289-G-A. GRCh37 (hg19) VCF-style: chr9-113496569-G-A.
Other names: c.697G>A, p.Val233Ile (NM_001166280.2); c.667G>A, p.Val223Ile (NM_001166281.2); c.-570G>A (NM_001369398.1); short protein forms V233I, V223I.
Identifiers: ClinVar variation 1495768 (VCV001495768.5), dbSNP rs774463260, ClinGen allele CA5184150.
Genomic context (GRCh38, chr9:110,734,289, plus strand): 5'-ACCACTTCTGTCTTCCTAACAGTTTTTGCCAGGATCCTGCGGGCTCCTGAATCCCACAAT[G>A]TCACCTTTGGCTCCTTTGTGACCCTGCACTGTACAGCAACAGGCATTCCTGTCCCCACCA-3'
Protein context (NP_005583.1, residues 213-233): RILRAPESHN[Val223Ile]TFGSFVTLHC

ClinVar aggregate classification (germline): Uncertain significance (1 of 4 stars; one submission).

Conditions:
Fetal akinesia deformation sequence 1 (FADS1). Also called: Pena-Shokeir syndrome type I; Fetal akinesia sequence. Identifiers: Orphanet 994, MedGen C1276035, MONDO:0100101, OMIM 208150, HP:0001989.
Congenital myasthenic syndrome 9. Also called: Myasthenic syndrome, congenital, 9, associated with acetylcholine receptor deficiency. Identifiers: Orphanet 590, MedGen C4225368, MONDO:0014587, OMIM 616325.

Allele frequency attached by ClinVar (database versions not stated): gnomAD exomes below 0.00001 and 0.00001; ExAC 0.00001; gnomAD 0.00001 and 0.00002.
gnomAD v4.1: 12 of 1,613,010 alleles (0.00074%); highest among the groups gnomAD compares: African/African-American, 0.0027%; no homozygotes.

Submission:

Labcorp Genetics (formerly Invitae), Labcorp
Classification: Uncertain significance for Congenital myasthenic syndrome 9; Fetal akinesia deformation sequence 1. Last evaluated: 2024-02-24. Review status: criteria provided, single submitter. Criteria: Invitae Variant Classification Sherloc (09022015). Collection method: clinical testing. Allele origin: germline.
Comment: This sequence change replaces valine, which is neutral and non-polar, with isoleucine, which is neutral and non-polar, at codon 223 of the MUSK protein (p.Val223Ile). This variant is present in population databases (rs774463260, gnomAD 0.002%). This variant has not been reported in the literature in individuals affected with MUSK-related conditions. ClinVar contains an entry for this variant (Variation ID: 1495768). Advanced modeling of protein sequence and biophysical properties (such as structural, functional, and spatial information, amino acid conservation, physicochemical variation, residue mobility, and thermodynamic stability) performed at Invitae indicates that this missense variant is not expected to disrupt MUSK protein function with a negative predictive value of 80%. In summary, the available evidence is currently insufficient to determine the role of this variant in disease. Therefore, it has been classified as a Variant of Uncertain Significance.